The following is an entry in ClinVar:

NM_177438.3(DICER1):c.918T>C (p.Cys306=)

Gene: DICER1 (dicer 1, ribonuclease III; minus strand). Cytogenetic location: 14q32.13.
Variant type: single nucleotide variant.
Coding change: c.918T>C on transcript NM_177438.3 (MANE Select); coding-DNA position 918, T replaced by C.
Protein change: p.Cys306=; no amino-acid change (cysteine 306 retained).
Molecular consequence: synonymous variant.
Genome position (GRCh38, 1-based): chr14:95,124,654, A>G on the plus strand (T>C on the coding strand, the complement: DICER1 is on the minus strand). VCF-style: chr14-95124654-A-G. GRCh37 (hg19) VCF-style: chr14-95590991-A-G.
Other names: c.918T>C, p.Cys306= (NM_001195573.1, NM_001271282.3, NM_001291628.2 and 1 more transcripts).
Identifiers: ClinVar variation 417136 (VCV000417136.19), dbSNP rs886943453, ClinGen allele CA16614278.
Genomic context (GRCh38, chr14:95,124,654, plus strand): 5'-TACCATCATTCCAGCTACTTTATCTGCACACCAGGGTCCCAGAACTACCAATACGGCACG[A>G]CAGTCTGATAGTATCTACAAAAAAAAGAAAAGAAAAAACCTAATGCCAAATAATAATAAT-3'
Protein context (NP_803187.1, residues 296-316): TLISKQILSD[Cys306=]RAVLVVLGPW

ClinVar aggregate classification (germline): Benign/Likely benign. Review status: criteria provided, multiple submitters, no conflicts (2 of 4 stars). 4 submissions from 4 submitters: Benign (1); Likely benign (3). Last evaluated 2026-07-22.

Conditions:
DICER1-related disorder. Also called: DICER1-related condition.
DICER1-related tumor predisposition. Also called: DICER1 syndrome; DICER1-related pleuropulmonary blastoma cancer predisposition syndrome. Identifiers: Orphanet 284343, MedGen C3839822, MONDO:0100216.
Hereditary cancer-predisposing syndrome. Also called: Hereditary Cancer Syndrome; Tumor predisposition; Hereditary neoplastic syndrome; Neoplastic Syndromes, Hereditary. Identifiers: Orphanet 140162, MedGen C0027672, MeSH D009386, MONDO:0015356.

Allele frequency attached by ClinVar (database versions not stated): gnomAD 0.00001; gnomAD exomes 0.00001; TOPMed 0.00003.
gnomAD v4.1: 6 of 1,612,998 alleles (0.00037%); highest among the groups gnomAD compares: Non-Finnish European, 0.00051%; no homozygotes.

Submissions (4):

PreventionGenetics, part of Exact Sciences
Classification: Likely benign for DICER1-related condition. Last evaluated: 2026-07-22. Review status: criteria provided, single submitter. Criteria: ACMG Guidelines, 2015. Collection method: clinical testing. Allele origin: germline.
Comment: This variant is classified as likely benign based on ACMG/AMP sequence variant interpretation guidelines (Richards et al. 2015 PMID: 25741868, with internal and published modifications).

Myriad Genetics, Inc.
Classification: Benign for DICER1-related tumor predisposition. Last evaluated: 2026-04-15. Review status: criteria provided, single submitter. Criteria: Myriad Autosomal Dominant, Autosomal Recessive and X-Linked Classification Criteria (2023). Collection method: clinical testing. Allele origin: unknown.
Comment: This variant is considered benign. This variant is a silent/synonymous amino acid change and it is not expected to impact splicing.

Labcorp Genetics (formerly Invitae), Labcorp
Classification: Likely benign for DICER1-related tumor predisposition. Last evaluated: 2025-11-25. Review status: criteria provided, single submitter. Criteria: Invitae Variant Classification Sherloc (09022015). Collection method: clinical testing. Allele origin: germline.

Ambry Genetics
Classification: Likely benign for Hereditary cancer-predisposing syndrome. Last evaluated: 2017-05-15. Review status: criteria provided, single submitter. Criteria: Ambry Variant Classification Scheme 2023. Collection method: clinical testing. Allele origin: germline.